The following is an entry in ClinVar:

NM_001267550.2(TTN):c.106781C>A (p.Thr35594Asn)

Genes: TTN (titin; minus strand), TTN-AS1 (TTN antisense RNA 1; plus strand). Cytogenetic location: 2q31.2.
Variant type: single nucleotide variant.
Coding change: c.106781C>A on transcript NM_001267550.2 (MANE Select); coding-DNA position 106781, C replaced by A.
Protein change: p.Thr35594Asn; replaces threonine 35594 with asparagine.
Molecular consequence: missense variant.
Genome position (GRCh38, 1-based): chr2:178,528,970, G>T on the plus strand (C>A on the coding strand, the complement: TTN is on the minus strand). VCF-style: chr2-178528970-G-T. GRCh37 (hg19) VCF-style: chr2-179393697-G-T.
Other names: c.101858C>A, p.Thr33953Asn (NM_001256850.1); c.79586C>A, p.Thr26529Asn (NM_003319.4); c.99077C>A, p.Thr33026Asn (NM_133378.4); c.79961C>A, p.Thr26654Asn (NM_133432.3); c.80162C>A, p.Thr26721Asn (NM_133437.4); short protein forms T26529N, T26654N, T26721N, T33026N, T33953N, T35594N.
Identifiers: ClinVar variation 1698020 (VCV001698020.5), dbSNP rs756850637, ClinGen allele CA1985047.

ClinVar aggregate classification (germline): Conflicting classifications of pathogenicity. Review status: criteria provided, conflicting classifications (1 of 4 stars). 3 submissions from 3 submitters: Uncertain significance (2); Likely benign (1). Last evaluated 2026-03-05.

Conditions:
Cardiomyopathy (CMYO). Also called: Cardiomyopathies. Identifiers: Orphanet 167848, MedGen C0878544, MONDO:0004994, HP:0001638. Inheritance: Various modes of inheritance.

Allele frequency attached by ClinVar (database versions not stated): gnomAD 0.00001; gnomAD exomes 0.00001; TOPMed 0.00001; ExAC 0.00002.
gnomAD v4.1: 8 of 1,613,840 alleles (0.0005%); highest among the groups gnomAD compares: Non-Finnish European, 0.00068%; no homozygotes.

Submissions (3):

Women's Health and Genetics/Laboratory Corporation of America, LabCorp
Classification: Uncertain significance. Last evaluated: 2026-03-05. Review status: criteria provided, single submitter. Criteria: LabCorp Variant Classification Summary - May 2015. Collection method: clinical testing. Allele origin: germline.

CHEO Genetics Diagnostic Laboratory, Children's Hospital of Eastern Ontario
Classification: Likely benign for Cardiomyopathy. Last evaluated: 2022-03-04. Review status: criteria provided, single submitter. Criteria: ACMG Guidelines, 2015. Collection method: clinical testing. Allele origin: germline.

GeneDx
Classification: Uncertain significance. Last evaluated: 2022-01-19. Review status: criteria provided, single submitter. Criteria: GeneDx Variant Classification Process June 2021. Collection method: clinical testing. Allele origin: germline. Affected: yes.
Comment: Not observed at significant frequency in large population cohorts (gnomAD); Missense variant in a gene in which most reported pathogenic variants are truncating/loss-of-function; Has not been previously published as pathogenic or benign to our knowledge; This variant is associated with the following publications: (PMID: 23975875)